The following is an entry in ClinVar:

NM_012282.4(KCNE5):c.203TCT[1] (p.Phe69del)

Gene: KCNE5 (potassium voltage-gated channel subfamily E regulatory subunit 5; minus strand). Cytogenetic location: Xq23.
Variant type: Microsatellite.
Coding change: c.203TCT[1] on transcript NM_012282.4 (MANE Select); one copy of the 3-base unit TCT starting at c.203; the reference has two copies in a row; one copy, 3 bases deleted.
Protein change: p.Phe69del; deletes phenylalanine 69.
Molecular consequence: inframe deletion.
Genome position (GRCh38, 1-based): chrX:109,624,813-109,624,815, AGA deleted on the plus strand (TCT on the coding strand, the reverse complement: KCNE5 is on the minus strand); deleting any 3 consecutive bases within chrX:109,624,813-109,624,818 gives the same sequence; the position shown is the placement nearest the transcript's 3' end. VCF-style (leftmost placement, unchanged base first): chrX-109624812-TAGA-T. GRCh37 (hg19) VCF-style: chrX-108868041-TAGA-T.
Other names: short protein forms F69del.
Identifiers: ClinVar variation 1420311 (VCV001420311.8), dbSNP rs1184414342, ClinGen allele CA644064375.

ClinVar aggregate classification (germline): Uncertain significance (1 of 4 stars; one submission).

Conditions:
Brugada syndrome. Also called: Sudden unexplained nocturnal death syndrome; Sudden unexpected nocturnal death syndrome; Sudden Unexplained Death Syndrome; Sudden Unexplained Nocturnal Death Syndrome (SUNDS). Identifiers: Orphanet 130, MedGen C1142166, MONDO:0015263.

Submission:

Labcorp Genetics (formerly Invitae), Labcorp
Classification: Uncertain significance for Brugada syndrome. Last evaluated: 2025-05-23. Review status: criteria provided, single submitter. Criteria: Invitae Variant Classification Sherloc (09022015). Collection method: clinical testing. Allele origin: germline.
Comment: This variant, c.206_208del, results in the deletion of 1 amino acid(s) of the KCNE5 protein (p.Phe69del), but otherwise preserves the integrity of the reading frame. This variant is present in population databases (no rsID available, gnomAD 0.02%). This variant has not been reported in the literature in individuals affected with KCNE5-related conditions. Experimental studies and prediction algorithms are not available or were not evaluated, and the functional significance of this variant is currently unknown. In summary, the available evidence is currently insufficient to determine the role of this variant in disease. Therefore, it has been classified as a Variant of Uncertain Significance.